The following is an entry in ClinVar:

NM_003803.4(MYOM1):c.1787C>G (p.Ser596Cys)

Gene: MYOM1 (myomesin 1; minus strand). Cytogenetic location: 18p11.31.
Variant type: single nucleotide variant.
Coding change: c.1787C>G on transcript NM_003803.4 (MANE Select); coding-DNA position 1787, C replaced by G.
Protein change: p.Ser596Cys; replaces serine 596 with cysteine.
Molecular consequence: missense variant.
Genome position (GRCh38, 1-based): chr18:3,151,750, G>C on the plus strand (C>G on the coding strand, the complement: MYOM1 is on the minus strand). VCF-style: chr18-3151750-G-C. GRCh37 (hg19) VCF-style: chr18-3151748-G-C.
Other names: c.1787C>G, p.Ser596Cys (NM_019856.2); short protein forms S596C.
Identifiers: ClinVar variation 1000186 (VCV001000186.9), dbSNP rs1248946207, ClinGen allele CA401714108.

ClinVar aggregate classification (germline): Uncertain significance (1 of 4 stars; one submission).

Conditions:
Hypertrophic cardiomyopathy. Also called: HYPERTROPHIC MYOCARDIOPATHY. Identifiers: Orphanet 217569, MedGen C0007194, MeSH D002312, MONDO:0005045, HP:0001639.

Submission:

Labcorp Genetics (formerly Invitae), Labcorp
Classification: Uncertain significance for Hypertrophic cardiomyopathy. Last evaluated: 2020-02-24. Review status: criteria provided, single submitter. Criteria: Invitae Variant Classification Sherloc (09022015). Collection method: clinical testing. Allele origin: germline.
Comment: This variant is not present in population databases (ExAC no frequency). This sequence change replaces serine with cysteine at codon 596 of the MYOM1 protein (p.Ser596Cys). The serine residue is highly conserved and there is a moderate physicochemical difference between serine and cysteine. This variant has not been reported in the literature in individuals with MYOM1-related conditions. Algorithms developed to predict the effect of missense changes on protein structure and function are either unavailable or do not agree on the potential impact of this missense change (SIFT: "Deleterious"; PolyPhen-2: "Probably Damaging"; Align-GVGD: "Class C15"). In summary, the available evidence is currently insufficient to determine the role of this variant in disease. Therefore, it has been classified as a Variant of Uncertain Significance.